The following is an entry in ClinVar:

ClinVar aggregate classification (germline): Uncertain significance (1 of 4 stars; one submission).

Allele frequency attached by ClinVar (database versions not stated): ExAC 0.00004.
gnomAD v4.1: 15 of 1,562,902 alleles (0.00096%); highest among the groups gnomAD compares: East Asian, 0.033%; no homozygotes.

Submission:

Labcorp Genetics (formerly Invitae), Labcorp
Classification: Uncertain significance. Last evaluated: 2023-02-03. Review status: criteria provided, single submitter. Criteria: Invitae Variant Classification Sherloc (09022015). Collection method: clinical testing. Allele origin: germline.
Comment: This variant has not been reported in the literature in individuals affected with DCHS1-related conditions. This sequence change replaces arginine, which is basic and polar, with serine, which is neutral and polar, at codon 954 of the DCHS1 protein (p.Arg954Ser). This variant is present in population databases (rs775844204, gnomAD 0.03%). Advanced modeling of protein sequence and biophysical properties (such as structural, functional, and spatial information, amino acid conservation, physicochemical variation, residue mobility, and thermodynamic stability) performed at Invitae indicates that this missense variant is expected to disrupt DCHS1 protein function. In summary, the available evidence is currently insufficient to determine the role of this variant in disease. Therefore, it has been classified as a Variant of Uncertain Significance.

NM_003737.4(DCHS1):c.2862G>T (p.Arg954Ser)

Gene: DCHS1 (dachsous cadherin-related 1; minus strand). Cytogenetic location: 11p15.4.
Variant type: single nucleotide variant.
Coding change: c.2862G>T on transcript NM_003737.4 (MANE Select); coding-DNA position 2862, G replaced by T.
Protein change: p.Arg954Ser; replaces arginine 954 with serine.
Molecular consequence: missense variant.
Genome position (GRCh38, 1-based): chr11:6,632,650, C>A on the plus strand (G>T on the coding strand, the complement: DCHS1 is on the minus strand). VCF-style: chr11-6632650-C-A. GRCh37 (hg19) VCF-style: chr11-6653881-C-A.
Other names: short protein forms R954S.
Identifiers: ClinVar variation 2778291 (VCV002778291.3), dbSNP rs775844204, ClinGen allele CA5860641.